The following is an entry in ClinVar:

ClinVar aggregate classification (germline): Uncertain significance (1 of 4 stars; one submission).

gnomAD v4.1: 172 of 1,613,834 alleles (0.011%); highest among the groups gnomAD compares: Non-Finnish European, 0.012%; no homozygotes.

Submission:

GeneDx
Classification: Uncertain significance. Last evaluated: 2026-04-02. Review status: criteria provided, single submitter. Criteria: GeneDx Variant Classification Process June 2021. Collection method: clinical testing. Allele origin: germline.
Comment: In silico analysis supports that this missense variant has a deleterious effect on protein structure/function; Has not been previously published as pathogenic or benign to our knowledge

NM_018897.3(DNAH7):c.6077G>A (p.Arg2026Lys)

Gene: DNAH7 (dynein axonemal heavy chain 7; minus strand). Cytogenetic location: 2q32.3.
Variant type: single nucleotide variant.
Coding change: c.6077G>A on transcript NM_018897.3 (MANE Select); coding-DNA position 6077, G replaced by A.
Protein change: p.Arg2026Lys; replaces arginine 2026 with lysine.
Molecular consequence: missense variant.
Genome position (GRCh38, 1-based): chr2:195,876,584, C>T on the plus strand (G>A on the coding strand, the complement: DNAH7 is on the minus strand). VCF-style: chr2-195876584-C-T. GRCh37 (hg19) VCF-style: chr2-196741308-C-T.
Other names: short protein forms R2026K.
Identifiers: ClinVar variation 5016686 (VCV005016686.1).